The following is an entry in ClinVar:

ClinVar aggregate classification (germline): Uncertain significance. Review status: criteria provided, single submitter (1 of 4 stars). 2 submissions from 2 submitters: Uncertain significance (1). 1 of the submissions does not count toward it. Last evaluated 2025-12-18.

Conditions:
SH2B1-related disorder. Also called: SH2B1-related condition.

Allele frequency attached by ClinVar (database versions not stated): TOPMed below 0.00001; gnomAD exomes 0.00004; ExAC 0.00007.
gnomAD v4.1: 67 of 1,614,144 alleles (0.0042%); highest among the groups gnomAD compares: South Asian, 0.067%; no homozygotes.

Submissions (2):

Labcorp Genetics (formerly Invitae), Labcorp
Classification: Uncertain significance. Last evaluated: 2025-12-18. Review status: criteria provided, single submitter. Criteria: Invitae Variant Classification Sherloc (09022015). Collection method: clinical testing. Allele origin: germline.
Comment: This sequence change replaces serine, which is neutral and polar, with phenylalanine, which is neutral and non-polar, at codon 141 of the SH2B1 protein (p.Ser141Phe). This variant is present in population databases (rs745581801, gnomAD 0.07%), and has an allele count higher than expected for a pathogenic variant. This missense change has been observed in individual(s) with obesity (PMID: 31439647). ClinVar contains an entry for this variant (Variation ID: 2636033). An algorithm developed to predict the effect of missense changes on protein structure and function (PolyPhen-2) suggests that this variant is likely to be disruptive. Experimental studies have shown that this missense change does not substantially affect SH2B1 function (PMID: 31439647). In summary, the available evidence is currently insufficient to determine the role of this variant in disease. Therefore, it has been classified as a Variant of Uncertain Significance.

PreventionGenetics, part of Exact Sciences
Classification: Uncertain significance for SH2B1-related condition. Last evaluated: 2024-09-09. Review status: no assertion criteria provided. Collection method: clinical testing. Allele origin: germline. Not counted in ClinVar's aggregate classification.
Comment: The SH2B1 c.422C>T variant is predicted to result in the amino acid substitution p.Ser141Phe. This variant was reported in an individual with obesity and the p.Ser141Phe variant was shown to slightly impact the ability of SH2B1 to enhance neurite outgrowth (Table 1 and Figure 1, Flores et al. 2019. PubMed ID: 31439647). This variant is reported in 0.065% of alleles in individuals of South Asian descent in gnomAD. Although we suspect that this variant may be benign, at this time, the clinical significance of this variant is uncertain due to the absence of conclusive functional and genetic evidence.

Literature cited by the submitters: PubMed 31439647 (cited by Labcorp Genetics (formerly Invitae), Labcorp).

NM_001387430.1(SH2B1):c.422C>T (p.Ser141Phe)

Gene: SH2B1 (SH2B adaptor protein 1; plus strand). Cytogenetic location: 16p11.2.
Variant type: single nucleotide variant.
Coding change: c.422C>T on transcript NM_001387430.1 (MANE Select); coding-DNA position 422, C replaced by T.
Protein change: p.Ser141Phe; replaces serine 141 with phenylalanine.
Molecular consequence: missense variant. On other transcripts: intron variant (1).
Genome position (GRCh38, 1-based): chr16:28,866,516, C>T. VCF-style: chr16-28866516-C-T. GRCh37 (hg19) VCF-style: chr16-28877837-C-T.
Other names: c.422C>T, p.Ser141Phe (NM_001145795.2, NM_001145796.2, NM_001145797.2 and 4 more transcripts); c.-26-858C>T (NM_001308294.2); short protein forms S141F.
Identifiers: ClinVar variation 2636033 (VCV002636033.3), dbSNP rs745581801, ClinGen allele CA7985924.
Genomic context (GRCh38, chr16:28,866,516, plus strand): 5'-GCCCTTCTCGATCATCTGAGGACCTGGCCGGCCCCCTCCCTTCCTCAGTCTCTTCCTCCT[C>T]TACAACCTCCTCCAAGCCGAAGCTCAAGAAGCGCTTTTCCCTGCGTTCAGTGGGTCGCTC-3'
Protein context (NP_001374359.1, residues 131-151): GPLPSSVSSS[Ser141Phe]TTSSKPKLKK